The following is an entry in ClinVar:

ClinVar aggregate classification (germline): Uncertain significance. Review status: criteria provided, multiple submitters, no conflicts (2 of 4 stars). 5 submissions from 5 submitters: Uncertain significance (5). Last evaluated 2025-07-20.

Conditions:
Leukoencephalopathy with brain stem and spinal cord involvement-high lactate syndrome (LBSL). Also called: MITOCHONDRIAL ASPARTYL-tRNA SYNTHETASE DEFICIENCY; Leukoencephalopathy with Brainstem and Spinal Cord Involvement and Lactate Elevation; LEUKOENCEPHALOPATHY WITH BRAINSTEM AND SPINAL CORD INVOLVEMENT AND LACTATE ELEVATION, MILD. Identifiers: Orphanet 137898, MedGen C1970180, MONDO:0012622, OMIM 611105.

gnomAD v4.1: 28 of 1,370,658 alleles (0.002%); highest among the groups gnomAD compares: South Asian, 0.007%; no homozygotes.

Submissions (5):

GeneDx
Classification: Uncertain significance. Last evaluated: 2025-07-20. Review status: criteria provided, single submitter. Criteria: GeneDx Variant Classification Process June 2021. Collection method: clinical testing. Allele origin: germline. Affected: yes.
Comment: In silico analysis supports that this variant does not alter splicing; Not observed at significant frequency in large population cohorts (gnomAD); This variant is associated with the following publications: (PMID: 21493805)

Broad Center for Mendelian Genomics, Broad Institute of MIT and Harvard
Classification: Uncertain significance for Leukoencephalopathy with brain stem and spinal cord involvement-high lactate syndrome. Last evaluated: 2025-01-16. Review status: criteria provided, single submitter. Criteria: ACMG Guidelines, 2015. Collection method: curation. Allele origin: germline. Inheritance: Autosomal recessive inheritance.
Comment: The c.228-12C>A variant in DARS2 has been reported in 1 individual with leukoencephalopathy with brain stem and spinal cord involvement-high lactate syndrome (PMID: 21493805), and has been identified in 0.007% (6/86090) of South Asian chromosomes by the Genome Aggregation Database (gnomAD; dbSNP rs9425753). Although this variant has been seen in the general population in a heterozygous state, its frequency is low enough to be consistent with a recessive carrier frequency. This variant has also been reported in ClinVar (Variation ID: 1213670) and has been interpreted as a variant of uncertain significance by GeneDx and Invitae. This variant is located in the intron 2 splice region. This region of DARS2 is an established mutational hotspot and most individuals with LBSL have variants in this region (PMID: 24566671). Variants that occur in this intron 2 splice region are known to be leaky, which may explain some variability in disease phenotype (PMID: 24566671). In summary, the clinical significance of the c.228-12C>A variant is uncertain. ACMG/AMP Criteria applied: PM1_supporting, PM2_supporting (Richards 2015).

Labcorp Genetics (formerly Invitae), Labcorp
Classification: Uncertain significance. Last evaluated: 2023-08-17. Review status: criteria provided, single submitter. Criteria: Invitae Variant Classification Sherloc (09022015). Collection method: clinical testing. Allele origin: germline.
Comment: In summary, the available evidence is currently insufficient to determine the role of this variant in disease. Therefore, it has been classified as a Variant of Uncertain Significance. Algorithms developed to predict the effect of sequence changes on RNA splicing suggest that this variant is not likely to affect RNA splicing. ClinVar contains an entry for this variant (Variation ID: 1213670). This variant has been observed in individual(s) with leukoencephalopathy (PMID: 21493805). In at least one individual the data is consistent with being in trans (on the opposite chromosome) from a pathogenic variant. This variant is present in population databases (rs9425753, gnomAD 0.005%). This sequence change falls in intron 2 of the DARS2 gene. It does not directly change the encoded amino acid sequence of the DARS2 protein.

Genome-Nilou Lab
Classification: Uncertain significance for Leukoencephalopathy with brain stem and spinal cord involvement-high lactate syndrome. Last evaluated: 2023-04-11. Review status: criteria provided, single submitter. Criteria: ACMG Guidelines, 2015. Collection method: clinical testing. Allele origin: germline. Affected: no.

Blueprint Genetics
Classification: Uncertain significance. Last evaluated: 2020-11-04. Review status: criteria provided, single submitter. Criteria: ACMG Guidelines, 2015. Collection method: clinical testing. Allele origin: germline.

Literature cited by the submitters: PubMed 21493805 (cited by Labcorp Genetics (formerly Invitae), Labcorp).

NM_018122.5(DARS2):c.228-12C>A

Gene: DARS2 (aspartyl-tRNA synthetase 2, mitochondrial; plus strand). Cytogenetic location: 1q25.1.
Variant type: single nucleotide variant.
Coding change: c.228-12C>A on transcript NM_018122.5 (MANE Select); 12 bases into the intron before coding-DNA position 228, C replaced by A.
Molecular consequence: intron variant.
Genome position (GRCh38, 1-based): chr1:173,828,321, C>A. VCF-style: chr1-173828321-C-A. GRCh37 (hg19) VCF-style: chr1-173797459-C-A.
Other names: c.228-12C>A (NM_001365212.1, NM_001365213.2).
Identifiers: ClinVar variation 1213670 (VCV001213670.11), dbSNP rs9425753, ClinGen allele CA1250070.